The following is an entry in ClinVar:

ClinVar aggregate classification (germline): Pathogenic (1 of 4 stars; one submission).

Conditions:
Spondyloepiphyseal dysplasia with metatarsal shortening. Also called: CZECH DYSPLASIA, METATARSAL TYPE; SPONDYLOEPIPHYSEAL DYSPLASIA WITH PRECOCIOUS OSTEOARTHRITIS; Pseudorheumatoid dysplasia progressive, with hypoplastic toes. Identifiers: Orphanet 137678, MedGen C1836683, MONDO:0012206, OMIM 609162.
Spondyloperipheral dysplasia. Also called: SPONDYLOPERIPHERAL DYSPLASIA WITH SHORT ULNA; Spondyloperipheral dysplasia-short ulna syndrome. Identifiers: Orphanet 1856, MedGen C0796173, MONDO:0010078, OMIM 271700.
Stickler syndrome type 1 (STL1). Also called: STICKLER SYNDROME, MEMBRANOUS VITREOUS TYPE; STICKLER SYNDROME, VITREOUS TYPE 1; ARTHROOPHTHALMOPATHY, HEREDITARY PROGRESSIVE; COL2A1-Related Stickler Syndrome. Identifiers: Orphanet 828, Orphanet 90653, MedGen C2020284, MONDO:0007160, OMIM 108300.
Platyspondylic dysplasia, Torrance type (PLSDT). Identifiers: Orphanet 85166, MedGen C1835437, MONDO:0007895, OMIM 151210.
Achondrogenesis type II (ACG2). Also called: CHONDROGENESIS IMPERFECTA; ACHONDROGENESIS, LANGER-SALDINO TYPE. Identifiers: Orphanet 932, Orphanet 93296, MedGen C0220685, MONDO:0008702, OMIM 200610.
Spondyloepimetaphyseal dysplasia, Strudwick type (SEMDSTWK). Also called: STRUDWICK SYNDROME; DAPPLED METAPHYSIS SYNDROME. Identifiers: Orphanet 93346, MedGen C0700635, MONDO:0008476, OMIM 184250.
Avascular necrosis of femoral head, primary, 1 (ANFH1). Also called: Avascular necrosis of femoral head, primary. Identifiers: Orphanet 86820, MedGen C4551562, MONDO:0054550, OMIM 608805.
Legg-Calve-Perthes disease. Also called: Avascular necrosis of the capital femoral epiphysis; PERTHES DISEASE; Osteochondritis deformans; Coxa plana. Identifiers: Orphanet 2380, MedGen C1442965, MONDO:0007885, OMIM 150600, HP:0005743.
Spondylometaphyseal dysplasia, Schmidt type (SMDALG). Also called: SPONDYLOMETAPHYSEAL DYSPLASIA WITH SEVERE GENU VALGUM; SPONDYLOMETAPHYSEAL DYSPLASIA, ALGERIAN TYPE. Identifiers: Orphanet 93316, MedGen C1866688, MONDO:0008478, OMIM 184253.
Stickler syndrome, type I, nonsyndromic ocular. Also called: STICKLER SYNDROME, TYPE I, PREDOMINANTLY OCULAR; STICKLER SYNDROME, ATYPICAL. Identifiers: MedGen C1836080, MONDO:0012287, OMIM 609508.
Vitreoretinopathy with phalangeal epiphyseal dysplasia (VPED). Identifiers: MedGen C1852989, MONDO:0031001, OMIM 619248.
Kniest dysplasia. Identifiers: Orphanet 485, MedGen C0265279, MONDO:0007987, OMIM 156550.
Spondyloepiphyseal dysplasia, Stanescu type. Also called: SED, STANESCU TYPE; SPONDYLOEPIMETAPHYSEAL DYSPLASIA, STANESCU TYPE. Identifiers: Orphanet 459051, MedGen C4225273, MONDO:0014701, OMIM 616583.
Spondyloepiphyseal dysplasia congenita (SEDC). Also called: SPONDYLOEPIPHYSEAL DYSPLASIA, CONGENITAL TYPE; SED CONGENITA. Identifiers: Orphanet 94068, MedGen C2745959, MONDO:0008471, OMIM 183900.
Multiple epiphyseal dysplasia, Beighton type. Identifiers: Orphanet 166011, MedGen C1851536, MONDO:0007562, OMIM 132450.
Namaqualand hip dysplasia (OSCDP). Also called: Mild spondyloepiphyseal dysplasia due to COL2A1 mutation with early-onset osteoarthritis. Identifiers: Orphanet 93279, MedGen C0432214, MONDO:0011496, OMIM 604864.

Submission:

Juno Genomics, Hangzhou Juno Genomics, Inc
Classification: Pathogenic for Spondyloepiphyseal dysplasia congenita; Spondyloepiphyseal dysplasia, Stanescu type; Spondyloperipheral dysplasia; Stickler syndrome type 1; Stickler syndrome, type I, nonsyndromic ocular; Spondylometaphyseal dysplasia, Schmidt type; Multiple epiphyseal dysplasia, Beighton type; Vitreoretinopathy with phalangeal epiphyseal dysplasia; Achondrogenesis type II; Avascular necrosis of femoral head, primary, 1; Spondyloepimetaphyseal dysplasia, Strudwick type; Spondyloepiphyseal dysplasia with metatarsal shortening; Kniest dysplasia; Legg-Calve-Perthes disease; Namaqualand hip dysplasia; Platyspondylic dysplasia, Torrance type. Review status: criteria provided, single submitter. Criteria: ACMG Guidelines, 2015. Collection method: clinical testing. Allele origin: germline. Affected: yes.
Comment: Absent from controls (or at extremely low frequency if recessive) in Genome Aggregation Database.;Multiple lines of computational evidence support a deleterious effect on the gene or gene product.;Missense variant in a gene that has a low rate of benign missense variation.;The prevalence of the variant in affected individuals is significantly increased compared to the prevalence in controls.;Patient's phenotype or family history is highly specific for a disease with a single genetic etiology.;De novo (both maternity and paternity confirmed) in a patient with the disease and no family history.

NM_001844.5(COL2A1):c.629G>A (p.Gly210Glu)

Gene: COL2A1 (collagen type II alpha 1 chain; minus strand). Cytogenetic location: 12q13.11.
Variant type: single nucleotide variant.
Coding change: c.629G>A on transcript NM_001844.5 (MANE Select); coding-DNA position 629, G replaced by A.
Protein change: p.Gly210Glu; replaces glycine 210 with glutamic acid.
Molecular consequence: missense variant.
Genome position (GRCh38, 1-based): chr12:47,995,900, C>T on the plus strand (G>A on the coding strand, the complement: COL2A1 is on the minus strand). VCF-style: chr12-47995900-C-T. GRCh37 (hg19) VCF-style: chr12-48389683-C-T.
Other names: c.422G>A, p.Gly141Glu (NM_033150.3); short protein forms G141E, G210E.
Identifiers: ClinVar variation 5020049 (VCV005020049.1).